The following is an entry in ClinVar:

ClinVar aggregate classification (germline): Pathogenic. Review status: criteria provided, single submitter (1 of 4 stars). 2 submissions from 2 submitters: Pathogenic (1). 1 of the submissions does not count toward it. Last evaluated 2021-12-06.

Conditions:
Congenital myasthenic syndrome 3B (CMS3B). Also called: Myasthenic syndrome, congenital, 3B, fast-channel. Identifiers: Orphanet 590, MedGen C4225371, MONDO:0014584, OMIM 616322.
Lethal multiple pterygium syndrome (LMPS). Identifiers: Orphanet 33108, MedGen C1854678, MONDO:0009668, OMIM 253290.

Allele frequency attached by ClinVar (database versions not stated): gnomAD exomes below 0.00001 and 0.00002.

Submissions (2):

Labcorp Genetics (formerly Invitae), Labcorp
Classification: Pathogenic for Lethal multiple pterygium syndrome. Last evaluated: 2021-12-06. Review status: criteria provided, single submitter. Criteria: Invitae Variant Classification Sherloc (09022015). Collection method: clinical testing. Allele origin: germline.
Comment: This variant results in the deletion of part of exon 7 (c.820_820+1del) of the CHRND gene. It is expected to disrupt RNA splicing. Variants that disrupt the donor or acceptor splice site typically lead to a loss of protein function (PMID: 16199547), and loss-of-function variants in CHRND are known to be pathogenic (PMID: 11435464, 25264167). For these reasons, this variant has been classified as Pathogenic. Algorithms developed to predict the effect of sequence changes on RNA splicing suggest that this variant may disrupt the consensus splice site. Studies have shown that this variant alters CHRND gene expression (PMID: 11435464). ClinVar contains an entry for this variant (Variation ID: 18367). This variant is also known as δ756del2. This variant has been observed in individual(s) with clinical features of autosomal recessive congenital myasthenic syndrome (PMID: 11435464). This variant is not present in population databases (gnomAD no frequency).

OMIM
Classification: Pathogenic for MYASTHENIC SYNDROME, CONGENITAL, 3B, FAST-CHANNEL. Last evaluated: 2001-07-01. Review status: no assertion criteria provided. Collection method: literature only. Allele origin: germline. Not counted in ClinVar's aggregate classification.

Literature cited by the submitters: PubMed 16199547 (cited by Labcorp Genetics (formerly Invitae), Labcorp); PubMed 11435464 (cited by Labcorp Genetics (formerly Invitae), Labcorp and OMIM); PubMed 25264167 (cited by Labcorp Genetics (formerly Invitae), Labcorp).

NM_000751.3(CHRND):c.820_820+1del

Gene: CHRND (cholinergic receptor nicotinic delta subunit; plus strand). Cytogenetic location: 2q37.1.
Variant type: Deletion.
Coding change: c.820_820+1del on transcript NM_000751.3 (MANE Select); coding-DNA position 820 through the canonical splice donor site of the intron after coding-DNA position 820, 2 bases deleted (AG; older notation c.820_820+1delAG).
Molecular consequence: splice donor variant. On other transcripts: intron variant (1).
Genome position (GRCh38, 1-based): chr2:232,530,139-232,530,140, AG deleted. VCF-style (leftmost placement, unchanged base first): chr2-232530138-CAG-C. GRCh37 (hg19) VCF-style: chr2-233394848-CAG-C.
Other names: c.239-1213_239-1212del (NM_001311195.2); c.517_517+1del (NM_001311196.2); c.775_775+1del (NM_001256657.2).
Identifiers: ClinVar variation 18367 (VCV000018367.6), dbSNP rs879255564, ClinGen allele CA10575541.